The following is an entry in ClinVar:

ClinVar aggregate classification (germline): Uncertain significance (1 of 4 stars; one submission).

Submission:

Labcorp Genetics (formerly Invitae), Labcorp
Classification: Uncertain significance. Last evaluated: 2025-07-24. Review status: criteria provided, single submitter. Criteria: Invitae Variant Classification Sherloc (09022015). Collection method: clinical testing. Allele origin: germline.
Comment: This sequence change replaces glycine, which is neutral and non-polar, with arginine, which is basic and polar, at codon 1771 of the KIAA1549 protein (p.Gly1771Arg). This variant is not present in population databases (gnomAD no frequency). This variant has not been reported in the literature in individuals affected with KIAA1549-related conditions. An algorithm developed to predict the effect of missense changes on protein structure and function (PolyPhen-2) suggests that this variant is likely to be disruptive. In summary, the available evidence is currently insufficient to determine the role of this variant in disease. Therefore, it has been classified as a Variant of Uncertain Significance.

NM_001164665.2(KIAA1549):c.5311G>C (p.Gly1771Arg)

Gene: KIAA1549 (KIAA1549; minus strand). Cytogenetic location: 7q34.
Variant type: single nucleotide variant.
Coding change: c.5311G>C on transcript NM_001164665.2 (MANE Select); coding-DNA position 5311, G replaced by C.
Protein change: p.Gly1771Arg; replaces glycine 1771 with arginine.
Molecular consequence: missense variant.
Genome position (GRCh38, 1-based): chr7:138,844,458, C>G on the plus strand (G>C on the coding strand, the complement: KIAA1549 is on the minus strand). VCF-style: chr7-138844458-C-G. GRCh37 (hg19) VCF-style: chr7-138529203-C-G.
Other names: c.5311G>C, p.Gly1771Arg (NM_020910.3); short protein forms G1771R.
Identifiers: ClinVar variation 4768507 (VCV004768507.1).